The following is an entry in ClinVar:

ClinVar aggregate classification (germline): Pathogenic (1 of 4 stars; one submission).

Conditions:
Neurofibromatosis, type 1 (NF1). Also called: Neurofibromatosis, type I; VON RECKLINGHAUSEN DISEASE; NEUROFIBROMATOSIS, TYPE I, SOMATIC; Peripheral type neurofibromatosis. Identifiers: Orphanet 636, MedGen C0027831, MONDO:0018975, OMIM 162200. Disease mechanism: loss of function.

Submission:

Labcorp Genetics (formerly Invitae), Labcorp
Classification: Pathogenic for Neurofibromatosis, type 1. Last evaluated: 2023-08-16. Review status: criteria provided, single submitter. Criteria: Invitae Variant Classification Sherloc (09022015). Collection method: clinical testing. Allele origin: germline.
Comment: For these reasons, this variant has been classified as Pathogenic. ClinVar contains an entry for this variant (Variation ID: 1452973). This variant has not been reported in the literature in individuals affected with NF1-related conditions. This variant is not present in population databases (gnomAD no frequency). This sequence change creates a premature translational stop signal (p.Val1447*) in the NF1 gene. It is expected to result in an absent or disrupted protein product. Loss-of-function variants in NF1 are known to be pathogenic (PMID: 10712197, 23913538).

Literature cited by the submitters: PubMed 10712197; PubMed 23913538.

NM_001042492.3(NF1):c.4402del (p.Phe1467_Val1468insTer)

Gene: NF1 (neurofibromin 1; plus strand). Cytogenetic location: 17q11.2.
Variant type: Deletion.
Coding change: c.4402del on transcript NM_001042492.3 (MANE Select); coding-DNA position 4402, one base deleted (G; older notation c.4402delG).
Protein change: p.Phe1467_Val1468insTer.
Molecular consequence: nonsense. On other transcripts: frameshift variant (1).
Genome position (GRCh38, 1-based): chr17:31,259,101, G deleted. VCF-style (leftmost placement, unchanged base first): chr17-31259100-TG-T. GRCh37 (hg19) VCF-style: chr17-29586118-TG-T.
Other names: c.4339delG, p.Val1447Terfs (NM_000267.4).
Identifiers: ClinVar variation 1452973 (VCV001452973.6), dbSNP rs2151463141, ClinGen allele CA2573153629.